The following is an entry in ClinVar:

ClinVar aggregate classification (germline): Uncertain significance (1 of 4 stars; one submission).

Conditions:
Hereditary spastic paraplegia 8 (SPG8). Also called: SPASTIC PARAPLEGIA 8, AUTOSOMAL DOMINANT. Identifiers: Orphanet 100989, MedGen C1863704, MONDO:0011339, OMIM 603563.
Ritscher-Schinzel syndrome. Also called: CRANIOCEREBELLOCARDIAC DYSPLASIA. Identifiers: Orphanet 7, MedGen C0796137, MONDO:0019078.

Submission:

Labcorp Genetics (formerly Invitae), Labcorp
Classification: Uncertain significance for Ritscher-Schinzel syndrome; Hereditary spastic paraplegia 8. Last evaluated: 2022-11-20. Review status: criteria provided, single submitter. Criteria: Invitae Variant Classification Sherloc (09022015). Collection method: clinical testing. Allele origin: germline.
Comment: In summary, the available evidence is currently insufficient to determine the role of this variant in disease. Therefore, it has been classified as a Variant of Uncertain Significance. Advanced modeling of protein sequence and biophysical properties (such as structural, functional, and spatial information, amino acid conservation, physicochemical variation, residue mobility, and thermodynamic stability) performed at Invitae indicates that this missense variant is not expected to disrupt WASHC5 protein function. This variant has not been reported in the literature in individuals affected with WASHC5-related conditions. This variant is not present in population databases (gnomAD no frequency). This sequence change replaces glutamic acid, which is acidic and polar, with glycine, which is neutral and non-polar, at codon 219 of the WASHC5 protein (p.Glu219Gly).

NM_014846.4(WASHC5):c.656A>G (p.Glu219Gly)

Gene: WASHC5 (WASH complex subunit 5; minus strand). Cytogenetic location: 8q24.13.
Variant type: single nucleotide variant.
Coding change: c.656A>G on transcript NM_014846.4 (MANE Select); coding-DNA position 656, A replaced by G.
Protein change: p.Glu219Gly; replaces glutamic acid 219 with glycine.
Molecular consequence: missense variant.
Genome position (GRCh38, 1-based): chr8:125,078,793, T>C on the plus strand (A>G on the coding strand, the complement: WASHC5 is on the minus strand). VCF-style: chr8-125078793-T-C. GRCh37 (hg19) VCF-style: chr8-126091035-T-C.
Other names: c.212A>G, p.Glu71Gly (NM_001330609.2); short protein forms E219G, E71G.
Identifiers: ClinVar variation 2938218 (VCV002938218.3), dbSNP rs2537380989, ClinGen allele CA372196267.
Genomic context (GRCh38, chr8:125,078,793, plus strand): 5'-CCCACCTGGTTGTAAATATCATCAGATCTCAGTCGACCAATGACCATACTGATGAAGGAT[T>C]CGTTGATAGGCACTCTCTGGAAATAGCTCTCGGGATAGTTGGATGGTCTTTTGGCACCTG-3'
Protein context (NP_055661.3, residues 209-229): ESYFQRVPIN[Glu219Gly]SFISMVIGRL